The following is an entry in ClinVar:

NM_002184.4(IL6ST):c.1058C>T (p.Thr353Ile)

Gene: IL6ST (interleukin 6 cytokine family signal transducer; minus strand). Cytogenetic location: 5q11.2.
Variant type: single nucleotide variant.
Coding change: c.1058C>T on transcript NM_002184.4 (MANE Select); coding-DNA position 1058, C replaced by T.
Protein change: p.Thr353Ile; replaces threonine 353 with isoleucine.
Molecular consequence: missense variant. On other transcripts: synonymous variant (1), non-coding transcript variant (2).
Genome position (GRCh38, 1-based): chr5:55,956,234, G>A on the plus strand (C>T on the coding strand, the complement: IL6ST is on the minus strand). VCF-style: chr5-55956234-G-A. GRCh37 (hg19) VCF-style: chr5-55252062-G-A.
Other names: c.1058C>T, p.Thr353Ile (NM_001190981.2, NM_001364275.2); c.848C>T, p.Thr283Ile (NM_001364276.2); c.191C>T, p.Thr64Ile (NM_001364277.2); c.155C>T, p.Thr52Ile (NM_001364278.2); c.62C>T, p.Thr21Ile (NM_001364279.2); c.975C>T, p.Asn325= (NM_175767.3); short protein forms T21I, T283I, T353I, T52I, T64I.
Identifiers: ClinVar variation 4809182 (VCV004809182.1).
Genomic context (GRCh38, chr5:55,956,234, plus strand): 5'-CATCTTGTGAGAGTCACTTCATAATCCAAGATTTTTCCATTGGCTTCAAAAGGAGGCAAT[G>A]TCTGTAATAAAATAGTTTATTTTTAAAAATAATCTCATAAATCTTGAATAAAAAATCAGT-3'
Protein context (NP_002175.2, residues 343-363): GYRTVQLVWK[Thr353Ile]LPPFEANGKI

ClinVar aggregate classification (germline): Uncertain significance (1 of 4 stars; one submission).

Submission:

Labcorp Genetics (formerly Invitae), Labcorp
Classification: Uncertain significance. Last evaluated: 2025-07-05. Review status: criteria provided, single submitter. Criteria: Invitae Variant Classification Sherloc (09022015). Collection method: clinical testing. Allele origin: germline.
Comment: This sequence change replaces threonine, which is neutral and polar, with isoleucine, which is neutral and non-polar, at codon 353 of the IL6ST protein (p.Thr353Ile). This variant is present in population databases (rs751736843, gnomAD 0.0009%). This variant has not been reported in the literature in individuals affected with IL6ST-related conditions. An algorithm developed to predict the effect of missense changes on protein structure and function (PolyPhen-2) suggests that this variant is likely to be tolerated. In summary, the available evidence is currently insufficient to determine the role of this variant in disease. Therefore, it has been classified as a Variant of Uncertain Significance.